The following is an entry in ClinVar:

ClinVar aggregate classification (germline): Uncertain significance (1 of 4 stars; one submission).

Conditions:
Spinocerebellar ataxia 47 (NEDMSF). Also called: neurodevelopmental disorder with motor abnormalities, seizures, and facial dysmorphism; PADDAS SYNDROME. Identifiers: Orphanet 642747, MedGen C4693672, MONDO:0033482, OMIM 620719.

Allele frequency attached by ClinVar (database versions not stated): ExAC 0.00001.

Submission:

MGZ Medical Genetics Center
Classification: Uncertain significance. Last evaluated: 2022-03-15. Review status: criteria provided, single submitter. Criteria: ACMG Guidelines, 2015. Collection method: clinical testing. Allele origin: germline. Affected: yes. Observed: 1 variant allele.
Comment: ACMG criteria applied: PM2_SUP, PP2, BP4

NM_001020658.2(PUM1):c.926T>C (p.Val309Ala)

Gene: PUM1 (pumilio RNA binding family member 1; minus strand). Cytogenetic location: 1p35.2.
Variant type: single nucleotide variant.
Coding change: c.926T>C on transcript NM_001020658.2 (MANE Select); coding-DNA position 926, T replaced by C.
Protein change: p.Val309Ala; replaces valine 309 with alanine.
Molecular consequence: missense variant.
Genome position (GRCh38, 1-based): chr1:30,992,622, A>G on the plus strand (T>C on the coding strand, the complement: PUM1 is on the minus strand). VCF-style: chr1-30992622-A-G. GRCh37 (hg19) VCF-style: chr1-31465469-A-G.
Other names: c.926T>C, p.Val309Ala (NM_014676.3); short protein forms V309A.
Identifiers: ClinVar variation 1710044 (VCV001710044.2), dbSNP rs780683618, ClinGen allele CA729325.